The following is an entry in ClinVar:

ClinVar aggregate classification (germline): Uncertain significance (1 of 4 stars; one submission).

Conditions:
Charcot-Marie-Tooth disease, type I (CMT1). Also called: Charcot-Marie-Tooth disease type 1; Charcot-Marie-Tooth, Type 1. Identifiers: Orphanet 65753, MedGen C0751036, MONDO:0019011.

Submission:

Labcorp Genetics (formerly Invitae), Labcorp
Classification: Uncertain significance for Charcot-Marie-Tooth disease, type I. Last evaluated: 2022-10-27. Review status: criteria provided, single submitter. Criteria: Invitae Variant Classification Sherloc (09022015). Collection method: clinical testing. Allele origin: germline.
Comment: In summary, the available evidence is currently insufficient to determine the role of this variant in disease. Therefore, it has been classified as a Variant of Uncertain Significance. Experimental studies and prediction algorithms are not available or were not evaluated, and the functional significance of this variant is currently unknown. This variant has not been reported in the literature in individuals affected with EGR2-related conditions. This variant is not present in population databases (gnomAD no frequency). This sequence change creates a premature translational stop signal (p.Pro169Argfs*54) in the EGR2 gene. While this is not anticipated to result in nonsense mediated decay, it is expected to disrupt the last 308 amino acid(s) of the EGR2 protein.

NM_000399.5(EGR2):c.504del (p.Pro169fs)

Gene: EGR2 (early growth response 2; minus strand). Cytogenetic location: 10q21.3.
Variant type: Deletion.
Coding change: c.504del on transcript NM_000399.5 (MANE Select); coding-DNA position 504, one base deleted (A; older notation c.504delA).
Protein change: p.Pro169fs; shifts the reading frame from proline 169.
Molecular consequence: frameshift variant.
Genome position (GRCh38, 1-based): chr10:62,814,134, T deleted on the plus strand (A on the coding strand, the reverse complement: EGR2 is on the minus strand). VCF-style (leftmost placement, unchanged base first): chr10-62814133-GT-G. GRCh37 (hg19) VCF-style: chr10-64573893-GT-G.
Other names: c.504del, p.Pro169fs (NM_001136177.3, NM_001136178.2); c.354del, p.Pro119fs (NM_001136179.3, NM_001321037.2); c.543del, p.Pro182fs (NM_001410931.1); short protein forms P182fs, P169fs, P119fs.
Identifiers: ClinVar variation 2810022 (VCV002810022.3), dbSNP rs2492299640, ClinGen allele CA2739275703.